The following is an entry in ClinVar:

ClinVar aggregate classification (germline): Uncertain significance (1 of 4 stars; one submission).

Submission:

Labcorp Genetics (formerly Invitae), Labcorp
Classification: Uncertain significance. Last evaluated: 2025-05-05. Review status: criteria provided, single submitter. Criteria: Invitae Variant Classification Sherloc (09022015). Collection method: clinical testing. Allele origin: germline.
Comment: This sequence change falls in intron 2 of the LZTR1 gene. It does not directly change the encoded amino acid sequence of the LZTR1 protein. This variant is not present in population databases (gnomAD no frequency). This variant has not been reported in the literature in individuals affected with LZTR1-related conditions. ClinVar contains an entry for this variant (Variation ID: 1514362). Algorithms developed to predict the effect of sequence changes on RNA splicing suggest that this variant may disrupt the consensus splice site. In summary, the available evidence is currently insufficient to determine the role of this variant in disease. Therefore, it has been classified as a Variant of Uncertain Significance.

NM_006767.4(LZTR1):c.264-5T>G

Gene: LZTR1 (leucine zipper like post translational regulator 1; plus strand). Cytogenetic location: 22q11.21.
Variant type: single nucleotide variant.
Coding change: c.264-5T>G on transcript NM_006767.4 (MANE Select); 5 bases into the intron before coding-DNA position 264, T replaced by G.
Molecular consequence: intron variant.
Genome position (GRCh38, 1-based): chr22:20,985,836, T>G. VCF-style: chr22-20985836-T-G. GRCh37 (hg19) VCF-style: chr22-21340125-T-G.
Identifiers: ClinVar variation 1514362 (VCV001514362.8), dbSNP rs2147959745, ClinGen allele CA2573157723.